The following is an entry in ClinVar:

ClinVar aggregate classification (germline): Pathogenic (1 of 4 stars; one submission).

Conditions:
Hereditary cancer-predisposing syndrome. Also called: Hereditary Cancer Syndrome; Hereditary neoplastic syndrome; Neoplastic Syndromes, Hereditary; Tumor predisposition. Identifiers: Orphanet 140162, MedGen C0027672, MeSH D009386, MONDO:0015356.

Submission:

Ambry Genetics
Classification: Pathogenic for Hereditary cancer-predisposing syndrome. Last evaluated: 2021-05-26. Review status: criteria provided, single submitter. Criteria: Ambry Variant Classification Scheme 2023. Collection method: clinical testing. Allele origin: germline.
Comment: The c.5536dupT pathogenic mutation, located in coding exon 15 of the APC gene, results from a duplication of T at nucleotide position 5536, causing a translational frameshift with a predicted alternate stop codon (p.Y1846Lfs*5). This alteration occurs at the 3' terminus of theAPC gene, is not expected to trigger nonsense-mediated mRNA decay, and impacts the last 998 amino acids of the protein. However, premature stop codons are typically deleterious in nature and the impacted region is critical for protein function (Ambry internal data). Based on the supporting evidence, this alteration is interpreted as a disease-causing mutation.

NM_000038.6(APC):c.5536dup (p.Tyr1846fs)

Gene: APC (APC regulator of Wnt signaling pathway; plus strand). Cytogenetic location: 5q22.2.
Variant type: Duplication.
Coding change: c.5536dup on transcript NM_000038.6 (MANE Select); coding-DNA position 5536, one base duplicated (T; older notation c.5536dupT).
Protein change: p.Tyr1846fs; shifts the reading frame from tyrosine 1846.
Molecular consequence: frameshift variant.
Genome position (GRCh38, 1-based): chr5:112,841,130, T duplicated; the last of 2 consecutive T bases (chr5:112,841,129-112,841,130); duplicating either gives the same sequence. VCF-style (leftmost placement, unchanged base first): chr5-112841128-A-AT. GRCh37 (hg19) VCF-style: chr5-112176825-A-AT.
Other names: c.5536dup, p.Tyr1846fs (NM_001127510.3, NM_001354895.2); c.5482dup, p.Tyr1828fs (NM_001127511.3); c.5590dup, p.Tyr1864fs (NM_001354896.2); c.5566dup, p.Tyr1856fs (NM_001354897.2); c.5461dup, p.Tyr1821fs (NM_001354898.2); c.5452dup, p.Tyr1818fs (NM_001354899.2); c.5413dup, p.Tyr1805fs (NM_001354900.2); c.5359dup, p.Tyr1787fs (NM_001354901.2); and 16 more; short protein forms Y1745fs, Y1818fs, Y1846fs, Y1686fs, Y1787fs, Y1805fs, Y1864fs, Y1720fs.
Identifiers: ClinVar variation 1748169 (VCV001748169.2), dbSNP rs2533650619, ClinGen allele CA2580072651.